The following is an entry in ClinVar:

ClinVar aggregate classification (germline): Uncertain significance (1 of 4 stars; one submission).

Submission:

Women's Health and Genetics/Laboratory Corporation of America, LabCorp
Classification: Uncertain significance. Last evaluated: 2023-11-02. Review status: criteria provided, single submitter. Criteria: LabCorp Variant Classification Summary - May 2015. Collection method: clinical testing. Allele origin: germline.
Comment: Variant summary: ARMC5 c.1456A>C (p.Met486Leu) results in a conservative amino acid change in the encoded protein sequence. Five of five in-silico tools predict a benign effect of the variant on protein function. The variant was absent in 229622 control chromosomes (gnomAD). The available data on variant occurrences in the general population are insufficient to allow any conclusion about variant significance. To our knowledge, no occurrence of c.1456A>C in individuals affected with ACTH-Independent Macronodular Adrenal Hyperplasia 2 and no experimental evidence demonstrating its impact on protein function have been reported. No submitters have cited clinical-significance assessments for this variant to ClinVar after 2014. Based on the evidence outlined above, the variant was classified as uncertain significance.

NM_001105247.2(ARMC5):c.1456A>C (p.Met486Leu)

Gene: ARMC5 (armadillo repeat containing 5; plus strand). Cytogenetic location: 16p11.2.
Variant type: single nucleotide variant.
Coding change: c.1456A>C on transcript NM_001105247.2 (MANE Select); coding-DNA position 1456, A replaced by C.
Protein change: p.Met486Leu; replaces methionine 486 with leucine.
Molecular consequence: missense variant.
Genome position (GRCh38, 1-based): chr16:31,464,479, A>C. VCF-style: chr16-31464479-A-C. GRCh37 (hg19) VCF-style: chr16-31475800-A-C.
Other names: c.1741A>C, p.Met581Leu (NM_001288767.2); c.1552A>C, p.Met518Leu (NM_001301820.1); c.1456A>C, p.Met486Leu (NM_024742.2); short protein forms M486L, M518L, M581L.
Identifiers: ClinVar variation 2682510 (VCV002682510.1), dbSNP rs1025162367, ClinGen allele CA395735643.